The following is an entry in ClinVar:

ClinVar aggregate classification (germline): Uncertain significance (1 of 4 stars; one submission).

Submission:

Labcorp Genetics (formerly Invitae), Labcorp
Classification: Uncertain significance. Last evaluated: 2021-06-18. Review status: criteria provided, single submitter. Criteria: Invitae Variant Classification Sherloc (09022015). Collection method: clinical testing. Allele origin: germline.
Comment: This sequence change replaces valine with isoleucine at codon 393 of the NBAS protein (p.Val393Ile). The valine residue is highly conserved and there is a small physicochemical difference between valine and isoleucine. This variant is not present in population databases (ExAC no frequency). In summary, the available evidence is currently insufficient to determine the role of this variant in disease. Therefore, it has been classified as a Variant of Uncertain Significance. Algorithms developed to predict the effect of missense changes on protein structure and function are either unavailable or do not agree on the potential impact of this missense change (SIFT: "Deleterious"; PolyPhen-2: "Benign"; Align-GVGD: "Class C25"). This variant has not been reported in the literature in individuals with NBAS-related conditions.

NM_015909.4(NBAS):c.1177G>A (p.Val393Ile)

Gene: NBAS (NBAS subunit of NRZ tethering complex; minus strand). Cytogenetic location: 2p24.3.
Variant type: single nucleotide variant.
Coding change: c.1177G>A on transcript NM_015909.4 (MANE Select); coding-DNA position 1177, G replaced by A.
Protein change: p.Val393Ile; replaces valine 393 with isoleucine.
Molecular consequence: missense variant. On other transcripts: non-coding transcript variant (1).
Genome position (GRCh38, 1-based): chr2:15,475,851, C>T on the plus strand (G>A on the coding strand, the complement: NBAS is on the minus strand). VCF-style: chr2-15475851-C-T. GRCh37 (hg19) VCF-style: chr2-15615975-C-T.
Other names: short protein forms V393I.
Identifiers: ClinVar variation 1499701 (VCV001499701.8), dbSNP rs1680169076, ClinGen allele CA345891247.